The following is an entry in ClinVar:

NM_017570.5(OPLAH):c.1883C>T (p.Pro628Leu)

Gene: OPLAH (5-oxoprolinase, ATP-hydrolysing; minus strand). Cytogenetic location: 8q24.3.
Variant type: single nucleotide variant.
Coding change: c.1883C>T on transcript NM_017570.5 (MANE Select); coding-DNA position 1883, C replaced by T.
Protein change: p.Pro628Leu; replaces proline 628 with leucine.
Molecular consequence: missense variant.
Genome position (GRCh38, 1-based): chr8:144,056,485, G>A on the plus strand (C>T on the coding strand, the complement: OPLAH is on the minus strand). VCF-style: chr8-144056485-G-A. GRCh37 (hg19) VCF-style: chr8-145111388-G-A.
Other names: short protein forms P628L.
Identifiers: ClinVar variation 2514200 (VCV002514200.4), dbSNP rs369213520, ClinGen allele CA4931675.

ClinVar aggregate classification (germline): Uncertain significance. Review status: criteria provided, multiple submitters, no conflicts (2 of 4 stars). 2 submissions from 2 submitters: Uncertain significance (2). Last evaluated 2025-08-14.

Conditions:
5-Oxoprolinase deficiency (OPLAHD). Also called: 5-OXOPROLINURIA DUE TO 5-OXOPROLINASE DEFICIENCY. Identifiers: Orphanet 33572, MedGen C0268525, MONDO:0009825, OMIM 260005, HP:0040142.

Allele frequency attached by ClinVar (database versions not stated): gnomAD 0.00002; gnomAD exomes 0.00003; TOPMed 0.00003; ExAC 0.00004; ESP Exome Variant Server 0.00008.

Submissions (2):

Ambry Genetics
Classification: Uncertain significance. Last evaluated: 2025-08-14. Review status: criteria provided, single submitter. Criteria: Ambry Variant Classification Scheme 2023. Collection method: clinical testing. Allele origin: germline.

Labcorp Genetics (formerly Invitae), Labcorp
Classification: Uncertain significance for 5-Oxoprolinase deficiency. Last evaluated: 2023-10-03. Review status: criteria provided, single submitter. Criteria: Invitae Variant Classification Sherloc (09022015). Collection method: clinical testing. Allele origin: germline.
Comment: This sequence change replaces proline, which is neutral and non-polar, with leucine, which is neutral and non-polar, at codon 628 of the OPLAH protein (p.Pro628Leu). This variant is present in population databases (rs369213520, gnomAD 0.008%). This variant has not been reported in the literature in individuals affected with OPLAH-related conditions. ClinVar contains an entry for this variant (Variation ID: 2514200). Algorithms developed to predict the effect of missense changes on protein structure and function output the following: SIFT: "Not Available"; PolyPhen-2: "Benign"; Align-GVGD: "Not Available". The leucine amino acid residue is found in multiple mammalian species, which suggests that this missense change does not adversely affect protein function. In summary, the available evidence is currently insufficient to determine the role of this variant in disease. Therefore, it has been classified as a Variant of Uncertain Significance.